The following is an entry in ClinVar:

NM_018089.3(ANKZF1):c.512A>T (p.Gln171Leu)

Gene: ANKZF1 (ankyrin repeat and zinc finger peptidyl tRNA hydrolase 1; plus strand). Cytogenetic location: 2q35.
Variant type: single nucleotide variant.
Coding change: c.512A>T on transcript NM_018089.3 (MANE Select); coding-DNA position 512, A replaced by T.
Protein change: p.Gln171Leu; replaces glutamine 171 with leucine.
Molecular consequence: missense variant. On other transcripts: 5 prime UTR variant (1).
Genome position (GRCh38, 1-based): chr2:219,232,637, A>T. VCF-style: chr2-219232637-A-T. GRCh37 (hg19) VCF-style: chr2-220097359-A-T.
Other names: c.512A>T, p.Gln171Leu (NM_001042410.2); c.-119A>T (NM_001282792.2); short protein forms Q171L.
Identifiers: ClinVar variation 4774344 (VCV004774344.1).

ClinVar aggregate classification (germline): Uncertain significance (1 of 4 stars; one submission).

gnomAD v4.1: 5 of 1,614,202 alleles (0.00031%); highest among the groups gnomAD compares: Non-Finnish European, 0.00042%; no homozygotes.

Submission:

Labcorp Genetics (formerly Invitae), Labcorp
Classification: Uncertain significance. Last evaluated: 2025-09-21. Review status: criteria provided, single submitter. Criteria: Invitae Variant Classification Sherloc (09022015). Collection method: clinical testing. Allele origin: germline.
Comment: This sequence change replaces glutamine, which is neutral and polar, with leucine, which is neutral and non-polar, at codon 171 of the ANKZF1 protein (p.Gln171Leu). This variant is not present in population databases (gnomAD no frequency). This variant has not been reported in the literature in individuals affected with ANKZF1-related conditions. An algorithm developed to predict the effect of missense changes on protein structure and function (PolyPhen-2) suggests that this variant is likely to be tolerated. In summary, the available evidence is currently insufficient to determine the role of this variant in disease. Therefore, it has been classified as a Variant of Uncertain Significance.